The following is an entry in ClinVar:

ClinVar aggregate classification (germline): Uncertain significance (1 of 4 stars; one submission).

Conditions:
Mosaic variegated aneuploidy syndrome 1 (MVA1). Also called: Warburton-Anyane-Yeboa syndrome. Identifiers: Orphanet 1052, MedGen C1850343, MONDO:0009759, OMIM 257300.

gnomAD v4.1: 8 of 1,608,434 alleles (0.0005%); highest among the groups gnomAD compares: Non-Finnish European, 0.00068%; no homozygotes.

Submission:

Labcorp Genetics (formerly Invitae), Labcorp
Classification: Uncertain significance for Mosaic variegated aneuploidy syndrome 1. Last evaluated: 2025-12-21. Review status: criteria provided, single submitter. Criteria: Invitae Variant Classification Sherloc (09022015). Collection method: clinical testing. Allele origin: germline.
Comment: This sequence change replaces aspartic acid, which is acidic and polar, with glycine, which is neutral and non-polar, at codon 765 of the BUB1B protein (p.Asp765Gly). This variant is present in population databases (no rsID available, gnomAD 0.0009%). This variant has not been reported in the literature in individuals affected with BUB1B-related conditions. ClinVar contains an entry for this variant (Variation ID: 935035). An algorithm developed to predict the effect of missense changes on protein structure and function (PolyPhen-2) suggests that this variant is likely to be tolerated. In summary, the available evidence is currently insufficient to determine the role of this variant in disease. Therefore, it has been classified as a Variant of Uncertain Significance.

NM_001211.6(BUB1B):c.2294A>G (p.Asp765Gly)

Gene: BUB1B (BUB1 mitotic checkpoint serine/threonine kinase B; plus strand). Cytogenetic location: 15q15.1.
Variant type: single nucleotide variant.
Coding change: c.2294A>G on transcript NM_001211.6 (MANE Select); coding-DNA position 2294, A replaced by G.
Protein change: p.Asp765Gly; replaces aspartic acid 765 with glycine.
Molecular consequence: missense variant.
Genome position (GRCh38, 1-based): chr15:40,210,119, A>G. VCF-style: chr15-40210119-A-G. GRCh37 (hg19) VCF-style: chr15-40502320-A-G.
Other names: short protein forms D765G.
Identifiers: ClinVar variation 935035 (VCV000935035.11), dbSNP rs765119108, ClinGen allele CA268801215.